The following is an entry in ClinVar:

ClinVar aggregate classification (germline): Uncertain significance (1 of 4 stars; one submission).

Allele frequency attached by ClinVar (database versions not stated): TOPMed 0.00001.
gnomAD v4.1: 3 of 1,612,120 alleles (0.00019%); highest among the groups gnomAD compares: Non-Finnish European, 0.00017%; no homozygotes.

Submission:

Labcorp Genetics (formerly Invitae), Labcorp
Classification: Uncertain significance. Last evaluated: 2025-07-02. Review status: criteria provided, single submitter. Criteria: Invitae Variant Classification Sherloc (09022015). Collection method: clinical testing. Allele origin: germline.
Comment: This sequence change replaces arginine, which is basic and polar, with tryptophan, which is neutral and slightly polar, at codon 248 of the TRIM8 protein (p.Arg248Trp). This variant is not present in population databases (gnomAD no frequency). This variant has not been reported in the literature in individuals affected with TRIM8-related conditions. ClinVar contains an entry for this variant (Variation ID: 2964450). An algorithm developed to predict the effect of missense changes on protein structure and function (PolyPhen-2) suggests that this variant is likely to be tolerated. In summary, the available evidence is currently insufficient to determine the role of this variant in disease. Therefore, it has been classified as a Variant of Uncertain Significance.

NM_030912.3(TRIM8):c.742C>T (p.Arg248Trp)

Gene: TRIM8 (tripartite motif containing 8; plus strand). Cytogenetic location: 10q24.32.
Variant type: single nucleotide variant.
Coding change: c.742C>T on transcript NM_030912.3 (MANE Select); coding-DNA position 742, C replaced by T.
Protein change: p.Arg248Trp; replaces arginine 248 with tryptophan.
Molecular consequence: missense variant. On other transcripts: non-coding transcript variant (1).
Genome position (GRCh38, 1-based): chr10:102,655,155, C>T. VCF-style: chr10-102655155-C-T. GRCh37 (hg19) VCF-style: chr10-104414912-C-T.
Other names: c.646C>T, p.Arg216Trp (NM_001345950.1); short protein forms R216W, R248W.
Identifiers: ClinVar variation 2964450 (VCV002964450.3), dbSNP rs1195880693, ClinGen allele CA377929101.